The following is an entry in ClinVar:

NM_000245.4(MET):c.73G>A (p.Glu25Lys)

Gene: MET (MET proto-oncogene, receptor tyrosine kinase; plus strand). Cytogenetic location: 7q31.2.
Variant type: single nucleotide variant.
Coding change: c.73G>A on transcript NM_000245.4 (MANE Select); coding-DNA position 73, G replaced by A.
Protein change: p.Glu25Lys; replaces glutamic acid 25 with lysine.
Molecular consequence: missense variant. On other transcripts: intron variant (1).
Genome position (GRCh38, 1-based): chr7:116,699,157, G>A. VCF-style: chr7-116699157-G-A. GRCh37 (hg19) VCF-style: chr7-116339211-G-A.
Other names: c.73G>A, p.Glu25Lys (NM_001127500.3, NM_001324401.3); c.-91+26580G>A (NM_001324402.2); short protein forms E25K.
Identifiers: ClinVar variation 1758727 (VCV001758727.2), dbSNP rs2116579525, ClinGen allele CA368968278.

ClinVar aggregate classification (germline): Uncertain significance (1 of 4 stars; one submission).

Conditions:
Hereditary cancer-predisposing syndrome. Also called: Neoplastic Syndromes, Hereditary; Tumor predisposition; Hereditary Cancer Syndrome; Hereditary neoplastic syndrome. Identifiers: Orphanet 140162, MedGen C0027672, MeSH D009386, MONDO:0015356.

Allele frequency attached by ClinVar (database versions not stated): gnomAD exomes below 0.00001.
gnomAD v4.1: 1 of 1,613,898 alleles (0.000062%); highest among the groups gnomAD compares: Non-Finnish European, 0.000085%; no homozygotes.

Submission:

Ambry Genetics
Classification: Uncertain significance for Hereditary cancer-predisposing syndrome. Last evaluated: 2022-10-28. Review status: criteria provided, single submitter. Criteria: Ambry Variant Classification Scheme 2023. Collection method: clinical testing. Allele origin: germline.
Comment: The p.E25K variant (also known as c.73G>A), located in coding exon 1 of the MET gene, results from a G to A substitution at nucleotide position 73. The glutamic acid at codon 25 is replaced by lysine, an amino acid with similar properties. This amino acid position is conserved. In addition, this alteration is predicted to be tolerated by in silico analysis. Since supporting evidence is limited at this time, the clinical significance of this alteration remains unclear.